The following is an entry in ClinVar:

ClinVar aggregate classification (germline): Uncertain significance. Review status: criteria provided, multiple submitters, no conflicts (2 of 4 stars). 2 submissions from 2 submitters: Uncertain significance (2). Last evaluated 2025-02-20.

Conditions:
Inborn genetic diseases. Identifiers: MedGen C0950123, MeSH D030342.

gnomAD v4.1: 33 of 1,205,152 alleles (0.0027%); highest among the groups gnomAD compares: Non-Finnish European, 0.0037%; no homozygotes.

Submissions (2):

Women's Health and Genetics/Laboratory Corporation of America, LabCorp
Classification: Uncertain significance. Last evaluated: 2025-02-20. Review status: criteria provided, single submitter. Criteria: LabCorp Variant Classification Summary - May 2015. Collection method: clinical testing. Allele origin: germline.
Comment: Variant summary: IDS c.1333C>A (p.Arg445Ser) results in a non-conservative amino acid change in the encoded protein sequence. Three of five in-silico tools predict a benign effect of the variant on protein function. The variant was absent in 180997 control chromosomes. The available data on variant occurrences in the general population are insufficient to allow any conclusion about variant significance. To our knowledge, no occurrence of c.1333C>A in individuals affected with Mucopolysaccharidosis Type II (Hunter Syndrome) and no experimental evidence demonstrating its impact on protein function have been reported. No submitters have cited clinical-significance assessments for this variant to ClinVar. Based on the evidence outlined above, the variant was classified as uncertain significance.

Ambry Genetics
Classification: Uncertain significance for Inborn genetic diseases. Last evaluated: 2025-01-24. Review status: criteria provided, single submitter. Criteria: Ambry Variant Classification Scheme 2023. Collection method: clinical testing. Allele origin: germline.

NM_000202.8(IDS):c.1333C>A (p.Arg445Ser)

Gene: IDS (iduronate 2-sulfatase; minus strand). Cytogenetic location: Xq28.
Variant type: single nucleotide variant.
Coding change: c.1333C>A on transcript NM_000202.8 (MANE Select); coding-DNA position 1333, C replaced by A.
Protein change: p.Arg445Ser; replaces arginine 445 with serine.
Molecular consequence: missense variant.
Genome position (GRCh38, 1-based): chrX:149,483,066, G>T on the plus strand (C>A on the coding strand, the complement: IDS is on the minus strand). VCF-style: chrX-149483066-G-T. GRCh37 (hg19) VCF-style: chrX-148564597-G-T.
Other names: c.1063C>A, p.Arg355Ser (NM_001166550.4); c.1333C>A (NM_000202.5); short protein forms R355S, R445S.
Identifiers: ClinVar variation 3768919 (VCV003768919.2).